The following is an entry in ClinVar:

NM_018896.5(CACNA1G):c.2500C>T (p.Arg834Trp)

Gene: CACNA1G (calcium voltage-gated channel subunit alpha1 G; plus strand). Cytogenetic location: 17q21.33.
Variant type: single nucleotide variant.
Coding change: c.2500C>T on transcript NM_018896.5 (MANE Select); coding-DNA position 2500, C replaced by T.
Protein change: p.Arg834Trp; replaces arginine 834 with tryptophan.
Molecular consequence: missense variant. On other transcripts: non-coding transcript variant (5).
Genome position (GRCh38, 1-based): chr17:50,591,481, C>T. VCF-style: chr17-50591481-C-T. GRCh37 (hg19) VCF-style: chr17-48668842-C-T.
Other names: c.2500C>T, p.Arg834Trp (NM_198376.3, NM_198377.3, NM_198378.3 and 24 more transcripts); short protein forms R834W.
Identifiers: ClinVar variation 4868082 (VCV004868082.1).

ClinVar aggregate classification (germline): Uncertain significance (1 of 4 stars; one submission).

Conditions:
Inborn genetic diseases. Identifiers: MedGen C0950123, MeSH D030342.

Submission:

Ambry Genetics
Classification: Uncertain significance for Inborn genetic diseases. Last evaluated: 2026-05-14. Review status: criteria provided, single submitter. Criteria: Ambry Variant Classification Scheme 2023. Collection method: clinical testing. Allele origin: germline.
Comment: The c.2500C>T (p.R834W) alteration is located in exon 11 (coding exon 11) of the CACNA1G gene. This alteration results from a C to T substitution at nucleotide position 2500, causing the arginine (R) at amino acid position 834 to be replaced by a tryptophan (W). Based on data from gnomAD, the T allele has an overall frequency of <0.001% (1/233878) total alleles studied. The highest observed frequency was 0.001% (1/106346) of European (non-Finnish) alleles. Based on insufficient or conflicting evidence, the clinical significance of this alteration remains unclear.